The following is an entry in ClinVar:

NM_015331.3(NCSTN):c.841C>T (p.Arg281Trp)

Gene: NCSTN (nicastrin; plus strand). Cytogenetic location: 1q23.2.
Variant type: single nucleotide variant.
Coding change: c.841C>T on transcript NM_015331.3 (MANE Select); coding-DNA position 841, C replaced by T.
Protein change: p.Arg281Trp; replaces arginine 281 with tryptophan.
Molecular consequence: missense variant. On other transcripts: intron variant (1).
Genome position (GRCh38, 1-based): chr1:160,351,803, C>T. VCF-style: chr1-160351803-C-T. GRCh37 (hg19) VCF-style: chr1-160321593-C-T.
Other names: c.781C>T, p.Arg261Trp (NM_001290184.2); c.841C>T, p.Arg281Trp (NM_001349729.2); c.583-1084C>T (NM_001290186.2); short protein forms R261W, R281W.
Identifiers: ClinVar variation 4775685 (VCV004775685.1).
Genomic context (GRCh38, chr1:160,351,803, plus strand): 5'-AAGCCTATAAATACAACTGGGACATTAAAGCCTGACGACAGGGTTGTGGTTGCTGCCACC[C>T]GGGTGAGTGTTGGCTTCTGATCAGGATGGGCAGGGCTGGCACAAAAAGAGCTGGTAGGCC-3'
Protein context (NP_056146.1, residues 271-291): PDDRVVVAAT[Arg281Trp]LDSRSFFWNV

ClinVar aggregate classification (germline): Uncertain significance (1 of 4 stars; one submission).

gnomAD v4.1: 6 of 1,601,458 alleles (0.00037%); highest among the groups gnomAD compares: East Asian, 0.0022%; no homozygotes.

Submission:

Labcorp Genetics (formerly Invitae), Labcorp
Classification: Uncertain significance. Last evaluated: 2025-11-11. Review status: criteria provided, single submitter. Criteria: Invitae Variant Classification Sherloc (09022015). Collection method: clinical testing. Allele origin: germline.
Comment: This sequence change replaces arginine, which is basic and polar, with tryptophan, which is neutral and slightly polar, at codon 281 of the NCSTN protein (p.Arg281Trp). This variant is present in population databases (no rsID available, gnomAD 0.002%). This variant has not been reported in the literature in individuals affected with NCSTN-related conditions. An algorithm developed to predict the effect of missense changes on protein structure and function (PolyPhen-2) suggests that this variant is likely to be disruptive. In summary, the available evidence is currently insufficient to determine the role of this variant in disease. Therefore, it has been classified as a Variant of Uncertain Significance.